The following is an entry in ClinVar:

NM_000709.4(BCKDHA):c.357_358del (p.Leu119_Tyr120insTer)

Gene: BCKDHA (branched chain keto acid dehydrogenase E1 subunit alpha; plus strand). Cytogenetic location: 19q13.2.
Variant type: Microsatellite.
Coding change: c.357_358del on transcript NM_000709.4 (MANE Select); coding-DNA positions 357 to 358, 2 bases deleted (CT; older notation c.357_358delCT).
Protein change: p.Leu119_Tyr120insTer.
Molecular consequence: frameshift variant.
Genome position (GRCh38, 1-based): chr19:41,410,991-41,410,992, CT deleted; deleting any 2 consecutive bases within chr19:41,410,989-41,410,992 gives the same sequence; the c. name uses the placement nearest the transcript's 3' end. VCF-style (leftmost placement, unchanged base first): chr19-41410988-CCT-C. GRCh37 (hg19) VCF-style: chr19-41916893-CCT-C.
Other names: c.357_358del, p.Leu119_Tyr120insTer (NM_001164783.2).
Identifiers: ClinVar variation 1455786 (VCV001455786.7), dbSNP rs2123254646, ClinGen allele CA2580614905.

ClinVar aggregate classification (germline): Pathogenic (1 of 4 stars; one submission).

Conditions:
Maple syrup urine disease (MSUD). Identifiers: Orphanet 511, MedGen C0024776, MeSH D008375, MONDO:0009563. Disease mechanism: loss of function.

Submission:

Labcorp Genetics (formerly Invitae), Labcorp
Classification: Pathogenic for Maple syrup urine disease. Last evaluated: 2022-04-21. Review status: criteria provided, single submitter. Criteria: Invitae Variant Classification Sherloc (09022015). Collection method: clinical testing. Allele origin: germline.
Comment: This sequence change creates a premature translational stop signal (p.Tyr120*) in the BCKDHA gene. It is expected to result in an absent or disrupted protein product. Loss-of-function variants in BCKDHA are known to be pathogenic (PMID: 16786533, 22593002). For these reasons, this variant has been classified as Pathogenic. This premature translational stop signal has been observed in individual(s) with clinical features of maple syrup urine disease (PMID: 33131499). This variant is not present in population databases (gnomAD no frequency).

Literature cited by the submitters: PubMed 16786533; PubMed 22593002; PubMed 33131499.